The following is an entry in ClinVar:

NM_001378454.1(ALMS1):c.5002del (p.Arg1668fs)

Gene: ALMS1 (ALMS1 centrosome and basal body associated protein; plus strand). Cytogenetic location: 2p13.1.
Variant type: Deletion.
Coding change: c.5002del on transcript NM_001378454.1 (MANE Select); coding-DNA position 5002, one base deleted (A; older notation c.5002delA).
Protein change: p.Arg1668fs; shifts the reading frame from arginine 1668.
Molecular consequence: frameshift variant.
Genome position (GRCh38, 1-based): chr2:73,451,529, A deleted. VCF-style (leftmost placement, unchanged base first): chr2-73451528-TA-T. GRCh37 (hg19) VCF-style: chr2-73678655-TA-T.
Other names: c.5005del, p.Arg1669fs (NM_015120.4); c.5005delA (NM_015120.4); short protein forms R1668fs, R1669fs.
Identifiers: ClinVar variation 817439 (VCV000817439.7), dbSNP rs1572936092, ClinGen allele CA915944046.

ClinVar aggregate classification (germline): Pathogenic/Likely pathogenic. Review status: criteria provided, multiple submitters, no conflicts (2 of 4 stars). 3 submissions from 3 submitters: Pathogenic (2); Likely pathogenic (1). Last evaluated 2025-12-03.

Conditions:
Alstrom syndrome (ALMS). Identifiers: Orphanet 64, MedGen C0268425, MONDO:0008763, OMIM 203800.

Submissions (3):

Labcorp Genetics (formerly Invitae), Labcorp
Classification: Pathogenic for Alstrom syndrome. Last evaluated: 2025-12-03. Review status: criteria provided, single submitter. Criteria: Invitae Variant Classification Sherloc (09022015). Collection method: clinical testing. Allele origin: germline.
Comment: This sequence change creates a premature translational stop signal (p.Arg1669Glyfs*22) in the ALMS1 gene. It is expected to result in an absent or disrupted protein product. Loss-of-function variants in ALMS1 are known to be pathogenic (PMID: 17594715). This variant is not present in population databases (gnomAD no frequency). This variant has not been reported in the literature in individuals affected with ALMS1-related conditions. ClinVar contains an entry for this variant (Variation ID: 817439). For these reasons, this variant has been classified as Pathogenic.

Women's Health and Genetics/Laboratory Corporation of America, LabCorp
Classification: Likely pathogenic for Alstrom syndrome. Last evaluated: 2023-02-14. Review status: criteria provided, single submitter. Criteria: LabCorp Variant Classification Summary - May 2015. Collection method: clinical testing. Allele origin: germline.
Comment: Variant summary: ALMS1 c.4999delA (p.Arg1667GlyfsX22) results in a premature termination codon, predicted to cause a truncation of the encoded protein or absence of the protein due to nonsense mediated decay, which are commonly known mechanisms for disease. Truncations downstream of this position have been classified as pathogenic by our laboratory and in ClinVar. The variant was absent in 249152 control chromosomes (gnomAD). To our knowledge, no occurrence of c.4999delA in individuals affected with Alstrom Syndrome and no experimental evidence demonstrating its impact on protein function have been reported. One clinical diagnostic laboratory has submitted clinical-significance assessments for this variant to ClinVar after 2014 and classified the variant as pathogenic. Based on the evidence outlined above, the variant was classified as likely pathogenic.

GeneDx
Classification: Pathogenic. Last evaluated: 2022-09-13. Review status: criteria provided, single submitter. Criteria: GeneDx Variant Classification Process June 2021. Collection method: clinical testing. Allele origin: germline. Affected: yes.
Comment: Frameshift variant predicted to result in protein truncation and nonsense mediated decay in a gene for which loss-of-function is a known mechanism of disease; Not observed at significant frequency in large population cohorts (gnomAD); Has not been previously published as pathogenic or benign to our knowledge

Literature cited by the submitters: PubMed 17594715 (cited by Labcorp Genetics (formerly Invitae), Labcorp).